The following is an entry in ClinVar:

NM_001399.5(EDA):c.644del (p.Gly215fs)

Gene: EDA (ectodysplasin A; plus strand). Cytogenetic location: Xq13.1.
Variant type: Deletion.
Coding change: c.644del on transcript NM_001399.5 (MANE Select); coding-DNA position 644, one base deleted (G; older notation c.644delG).
Protein change: p.Gly215fs; shifts the reading frame from glycine 215.
Molecular consequence: frameshift variant.
Genome position (GRCh38, 1-based): chrX:70,027,974, G deleted; the last of 3 consecutive G bases (chrX:70,027,972-70,027,974); deleting any one gives the same sequence. VCF-style (leftmost placement, unchanged base first): chrX-70027971-TG-T. GRCh37 (hg19) VCF-style: chrX-69247821-TG-T.
Other names: c.644del, p.Gly215fs (NM_001005609.2, NM_001005612.3, NM_001440761.1 and 1 more transcripts); short protein forms G215fs.
Identifiers: ClinVar variation 4732795 (VCV004732795.1).

ClinVar aggregate classification (germline): Pathogenic (1 of 4 stars; one submission).

Conditions:
Hypohidrotic X-linked ectodermal dysplasia (XHED). Also called: ECTODERMAL DYSPLASIA, HYPOHIDROTIC, 1; CST SYNDROME; Ectodermal Dysplasia 1, Anhidrotic; Christ-Siemans-Touraine syndrome; ECTODERMAL DYSPLASIA 1; Anhidrotic ectodermal dysplasia X-linked. Identifiers: Orphanet 181, Orphanet 238468, MedGen C0162359, MONDO:0010585, OMIM 305100.

Submission:

Labcorp Genetics (formerly Invitae), Labcorp
Classification: Pathogenic for Hypohidrotic X-linked ectodermal dysplasia. Last evaluated: 2025-12-09. Review status: criteria provided, single submitter. Criteria: Invitae Variant Classification Sherloc (09022015). Collection method: clinical testing. Allele origin: germline.
Comment: This sequence change creates a premature translational stop signal (p.Gly215Aspfs*65) in the EDA gene. It is expected to result in an absent or disrupted protein product. Loss-of-function variants in EDA are known to be pathogenic (PMID: 9683615). This variant is not present in population databases (gnomAD no frequency). This variant has not been reported in the literature in individuals affected with EDA-related conditions. For these reasons, this variant has been classified as Pathogenic.

Literature cited by the submitters: PubMed 9683615.